The following is an entry in ClinVar:

ClinVar aggregate classification (germline): Uncertain significance (1 of 4 stars; one submission).

Conditions:
Cardiomyopathy (CMYO). Also called: Cardiomyopathies. Identifiers: Orphanet 167848, MedGen C0878544, MONDO:0004994, HP:0001638. Inheritance: Various modes of inheritance.

Submission:

Color Diagnostics, LLC DBA Color Health
Classification: Uncertain significance for Cardiomyopathy. Last evaluated: 2025-08-26. Review status: criteria provided, single submitter. Criteria: ACMG Guidelines, 2015. Collection method: clinical testing. Allele origin: germline.
Comment: This missense variant replaces arginine with methionine at codon 146 of the PKP2 protein. Computational prediction suggests that this variant may not impact protein structure and function. To our knowledge, functional studies have not been reported for this variant. This variant has not been reported in individuals affected with PKP2-related disorders in the literature. This variant has not been identified in the general population by the Genome Aggregation Database (gnomAD). The available evidence is insufficient to determine the role of this variant in disease conclusively. Therefore, this variant is classified as a Variant of Uncertain Significance.

NM_001005242.3(PKP2):c.437G>T (p.Arg146Met)

Gene: PKP2 (plakophilin 2; minus strand). Cytogenetic location: 12p11.21.
Variant type: single nucleotide variant.
Coding change: c.437G>T on transcript NM_001005242.3 (MANE Select); coding-DNA position 437, G replaced by T.
Protein change: p.Arg146Met; replaces arginine 146 with methionine.
Molecular consequence: missense variant.
Genome position (GRCh38, 1-based): chr12:32,878,443, C>A on the plus strand (G>T on the coding strand, the complement: PKP2 is on the minus strand). VCF-style: chr12-32878443-C-A. GRCh37 (hg19) VCF-style: chr12-33031377-C-A.
Other names: c.437G>T, p.Arg146Met (NM_001407155.1, NM_001407156.1, NM_001407157.1 and 2 more transcripts); c.110G>T, p.Arg37Met (NM_001407158.1, NM_001407159.1, NM_001407160.1 and 1 more transcripts); short protein forms R146M, R37M.
Identifiers: ClinVar variation 4757934 (VCV004757934.1).